The following is an entry in ClinVar:

NM_152383.5(DIS3L2):c.351C>T (p.Pro117=)

Gene: DIS3L2 (DIS3 like 3'-5' exoribonuclease 2; plus strand). Cytogenetic location: 2q37.1.
Variant type: single nucleotide variant.
Coding change: c.351C>T on transcript NM_152383.5 (MANE Select); coding-DNA position 351, C replaced by T.
Protein change: p.Pro117=; no amino-acid change (proline 117 retained).
Molecular consequence: synonymous variant. On other transcripts: non-coding transcript variant (2).
Genome position (GRCh38, 1-based): chr2:232,030,065, C>T. VCF-style: chr2-232030065-C-T. GRCh37 (hg19) VCF-style: chr2-232894775-C-T.
Other names: c.351C>T, p.Pro117= (NM_001257281.2, NM_001257282.2).
Identifiers: ClinVar variation 416344 (VCV000416344.38), dbSNP rs141249322, ClinGen allele CA2163798.
Genomic context (GRCh38, chr2:232,030,065, plus strand): 5'-TGGGGTTGTTGCTCGTAATAGAGCCTTAAATGGGGATCTGGTGGTCGTGAAACTGCTTCC[C>T]GAGGAGCATTGGAAGGTGAGTTAAGTTTTCCCTTTCTAATTACAGATTTCTTAGGGTCTT-3'
Protein context (NP_689596.4, residues 107-127): NGDLVVVKLL[Pro117=]EEHWKVVKPE

ClinVar aggregate classification (germline): Likely benign. Review status: criteria provided, multiple submitters, no conflicts (2 of 4 stars). 5 submissions from 5 submitters: Likely benign (4). 1 of the submissions does not count toward it. Last evaluated 2026-07-01.

Conditions:
Perlman syndrome (PRLMNS). Identifiers: Orphanet 2849, MedGen C0796113, MONDO:0009965, OMIM 267000.
DIS3L2-related disorder. Also called: DIS3L2-related condition.

Allele frequency attached by ClinVar (database versions not stated): gnomAD exomes 0.00005 and 0.00008; ESP Exome Variant Server 0.00008; TOPMed 0.00008; ExAC 0.00011; gnomAD 0.00013; 1000 Genomes Project 0.00100; 1000 Genomes Project 30x 0.00109.
gnomAD v4.1: 91 of 1,610,880 alleles (0.0056%); highest among the groups gnomAD compares: Middle Eastern, 0.12%; no homozygotes.

Submissions (5):

CeGaT Center for Human Genetics Tuebingen
Classification: Likely benign. Last evaluated: 2026-07-01. Review status: criteria provided, single submitter. Criteria: CeGaT Center For Human Genetics Tuebingen Variant Classification Criteria Version 2. Collection method: clinical testing. Allele origin: germline. Affected: yes. Observed: 4 variant alleles.
Comment: DIS3L2: BP4, BP7

Labcorp Genetics (formerly Invitae), Labcorp
Classification: Likely benign for Perlman syndrome. Last evaluated: 2026-01-05. Review status: criteria provided, single submitter. Criteria: Invitae Variant Classification Sherloc (09022015). Collection method: clinical testing. Allele origin: germline.

Blueprint Genetics
Classification: Likely benign. Last evaluated: 2024-11-01. Review status: criteria provided, single submitter. Criteria: ACMG Guidelines, 2015. Collection method: clinical testing. Allele origin: germline.

Sema4
Classification: Likely benign for Perlman syndrome. Last evaluated: 2021-10-29. Review status: criteria provided, single submitter. Criteria: Sema4 Curation Guidelines. Collection method: curation. Allele origin: germline.

PreventionGenetics, part of Exact Sciences
Classification: Likely benign for DIS3L2-related condition. Last evaluated: 2024-09-27. Review status: no assertion criteria provided. Collection method: clinical testing. Allele origin: germline. Not counted in ClinVar's aggregate classification.
Comment: This variant is classified as likely benign based on ACMG/AMP sequence variant interpretation guidelines (Richards et al. 2015 PMID: 25741868, with internal and published modifications).